The following is an entry in ClinVar:

ClinVar aggregate classification (germline): Uncertain significance (0 of 4 stars; one submission).

Conditions:
NCOA1-related disorder. Also called: NCOA1-related condition.

Submission:

PreventionGenetics, part of Exact Sciences
Classification: Uncertain significance for NCOA1-related condition. Last evaluated: 2024-09-12. Review status: no assertion criteria provided. Collection method: clinical testing. Allele origin: germline.
Comment: The NCOA1 c.1247C>G variant is predicted to result in the amino acid substitution p.Thr416Ser. To our knowledge, this variant has not been reported in the literature or in a large population database, indicating this variant is rare. At this time, the clinical significance of this variant is uncertain due to the absence of conclusive functional and genetic evidence.

NM_003743.5(NCOA1):c.1247C>G (p.Thr416Ser)

Gene: NCOA1 (nuclear receptor coactivator 1; plus strand). Cytogenetic location: 2p23.3.
Variant type: single nucleotide variant.
Coding change: c.1247C>G on transcript NM_003743.5 (MANE Select); coding-DNA position 1247, C replaced by G.
Protein change: p.Thr416Ser; replaces threonine 416 with serine.
Molecular consequence: missense variant.
Genome position (GRCh38, 1-based): chr2:24,706,717, C>G. VCF-style: chr2-24706717-C-G. GRCh37 (hg19) VCF-style: chr2-24929586-C-G.
Other names: c.1247C>G, p.Thr416Ser (NM_001362950.1, NM_001362952.1, NM_001362954.1 and 3 more transcripts); short protein forms T416S.
Identifiers: ClinVar variation 3347784 (VCV003347784.1).